The following is an entry in ClinVar:

ClinVar aggregate classification (germline): Pathogenic (1 of 4 stars; one submission).

Conditions:
Autosomal recessive nonsyndromic hearing loss 3. Also called: NEUROSENSORY NONSYNDROMIC RECESSIVE DEAFNESS 3. Identifiers: Orphanet 90636, MedGen C1838263, MONDO:0010860, OMIM 600316.

Submission:

Institute of Rare Diseases, West China Hospital, Sichuan University
Classification: Pathogenic for Autosomal recessive nonsyndromic hearing loss 3. Last evaluated: 2025-01-09. Review status: criteria provided, single submitter. Criteria: ClinGen HL ACMG Specifications v1. Collection method: research. Allele origin: germline. Affected: yes.
Comment: PVS1;PM3;PM2_Supporting

NM_016239.4(MYO15A):c.3353del (p.Met1118fs)

Gene: MYO15A (myosin XVA; plus strand). Cytogenetic location: 17p11.2.
Variant type: Deletion.
Coding change: c.3353del on transcript NM_016239.4 (MANE Select); coding-DNA position 3353, one base deleted (T; older notation c.3353delT).
Protein change: p.Met1118fs; shifts the reading frame from methionine 1118.
Molecular consequence: frameshift variant.
Genome position (GRCh38, 1-based): chr17:18,122,153, T deleted. VCF-style (leftmost placement, unchanged base first): chr17-18122152-AT-A. GRCh37 (hg19) VCF-style: chr17-18025466-AT-A.
Other names: short protein forms M1118fs.
Identifiers: ClinVar variation 3601317 (VCV003601317.1).